The following is an entry in ClinVar:

ClinVar aggregate classification (germline): Uncertain significance (1 of 4 stars; one submission).

Conditions:
Joubert syndrome 21 (JBTS21). Identifiers: MedGen C3810212, MONDO:0014288, OMIM 615636.

Allele frequency attached by ClinVar (database versions not stated): gnomAD exomes below 0.00001.
gnomAD v4.1: 6 of 1,602,450 alleles (0.00037%); highest among the groups gnomAD compares: South Asian, 0.0067%; no homozygotes.

Submission:

Labcorp Genetics (formerly Invitae), Labcorp
Classification: Uncertain significance for Joubert syndrome 21. Last evaluated: 2022-09-13. Review status: criteria provided, single submitter. Criteria: Invitae Variant Classification Sherloc (09022015). Collection method: clinical testing. Allele origin: germline.
Comment: ClinVar contains an entry for this variant (Variation ID: 1415882). This variant has not been reported in the literature in individuals affected with CSPP1-related conditions. This variant is not present in population databases (gnomAD no frequency). This sequence change replaces glutamic acid, which is acidic and polar, with glycine, which is neutral and non-polar, at codon 376 of the CSPP1 protein (p.Glu376Gly). Algorithms developed to predict the effect of missense changes on protein structure and function are either unavailable or do not agree on the potential impact of this missense change (SIFT: "Tolerated"; PolyPhen-2: "Possibly Damaging"; Align-GVGD: "Class C0"). In summary, the available evidence is currently insufficient to determine the role of this variant in disease. Therefore, it has been classified as a Variant of Uncertain Significance.

NM_001382391.1(CSPP1):c.1100A>G (p.Glu367Gly)

Gene: CSPP1 (centrosome and spindle pole associated protein 1; plus strand). Cytogenetic location: 8q13.2.
Variant type: single nucleotide variant.
Coding change: c.1100A>G on transcript NM_001382391.1 (MANE Select); coding-DNA position 1100, A replaced by G.
Protein change: p.Glu367Gly; replaces glutamic acid 367 with glycine.
Molecular consequence: missense variant.
Genome position (GRCh38, 1-based): chr8:67,111,978, A>G. VCF-style: chr8-67111978-A-G. GRCh37 (hg19) VCF-style: chr8-68024213-A-G.
Other names: c.245A>G, p.Glu82Gly (NM_001291339.2); c.1019A>G, p.Glu340Gly (NM_001363131.2, NM_001363133.2); c.1100A>G, p.Glu367Gly (NM_001363132.2); c.1208A>G, p.Glu403Gly (NM_001364869.1); c.1028A>G, p.Glu343Gly (NM_001364870.1); c.1127A>G, p.Glu376Gly (NM_024790.7); short protein forms E376G, E82G, E340G, E343G, E367G, E403G.
Identifiers: ClinVar variation 1415882 (VCV001415882.4), dbSNP rs2129549763, ClinGen allele CA371196369.